The following is an entry in ClinVar:

NM_001386298.1(CIC):c.5675C>T (p.Pro1892Leu)

Gene: CIC (capicua transcriptional repressor; plus strand). Cytogenetic location: 19q13.2.
Variant type: single nucleotide variant.
Coding change: c.5675C>T on transcript NM_001386298.1 (MANE Select); coding-DNA position 5675, C replaced by T.
Protein change: p.Pro1892Leu; replaces proline 1892 with leucine.
Molecular consequence: missense variant.
Genome position (GRCh38, 1-based): chr19:42,292,147, C>T. VCF-style: chr19-42292147-C-T. GRCh37 (hg19) VCF-style: chr19-42796299-C-T.
Other names: c.5675C>T, p.Pro1892Leu (NM_001304815.2, NM_001379480.1, NM_001379482.1 and 1 more transcripts); c.2948C>T, p.Pro983Leu (NM_001379484.1, NM_001379485.1, NM_015125.5); short protein forms P1892L, P983L.
Identifiers: ClinVar variation 2501407 (VCV002501407.1), dbSNP rs2514004143, ClinGen allele CA406113453.

ClinVar aggregate classification (germline): Uncertain significance (1 of 4 stars; one submission).

Submission:

GeneDx
Classification: Uncertain significance. Last evaluated: 2022-11-03. Review status: criteria provided, single submitter. Criteria: GeneDx Variant Classification Process June 2021. Collection method: clinical testing. Allele origin: germline. Affected: yes.
Comment: Not observed at significant frequency in large population cohorts (gnomAD); In silico analysis supports that this missense variant does not alter protein structure/function; Has not been previously published as pathogenic or benign to our knowledge